The following is an entry in ClinVar:

NM_017934.7(PHIP):c.2885A>C (p.Asp962Ala)

Genes: IRAK1BP1 (interleukin 1 receptor associated kinase 1 binding protein 1; plus strand), PHIP (PHIP subunit of CUL4-Ring ligase complex; minus strand). Cytogenetic location: 6q14.1.
Variant type: single nucleotide variant.
Coding change: c.2885A>C on transcript NM_017934.7 (MANE Select); coding-DNA position 2885, A replaced by C.
Protein change: p.Asp962Ala; replaces aspartic acid 962 with alanine.
Molecular consequence: missense variant.
Genome position (GRCh38, 1-based): chr6:78,978,596, T>G on the plus strand (A>C on the coding strand, the complement: PHIP is on the minus strand). VCF-style: chr6-78978596-T-G. GRCh37 (hg19) VCF-style: chr6-79688313-T-G.
Other names: short protein forms D962A.
Identifiers: ClinVar variation 2412834 (VCV002412834.3), dbSNP rs2481938136, ClinGen allele CA364648552.

ClinVar aggregate classification (germline): Uncertain significance (1 of 4 stars; one submission).

Submission:

GeneDx
Classification: Uncertain significance. Last evaluated: 2022-07-29. Review status: criteria provided, single submitter. Criteria: GeneDx Variant Classification Process June 2021. Collection method: clinical testing. Allele origin: germline. Affected: yes.
Comment: Not observed at significant frequency in large population cohorts (gnomAD); In silico analysis supports that this missense variant has a deleterious effect on protein structure/function; Has not been previously published as pathogenic or benign to our knowledge